The following is an entry in ClinVar:

NM_001723.7(DST):c.5342C>G (p.Ser1781Cys)

Gene: DST (dystonin; minus strand). Cytogenetic location: 6p12.1.
Variant type: single nucleotide variant.
Coding change: c.5342C>G on transcript NM_001723.7 (MANE Plus Clinical); coding-DNA position 5342, C replaced by G.
Protein change: p.Ser1781Cys; replaces serine 1781 with cysteine.
Molecular consequence: missense variant. On other transcripts: intron variant (10).
Genome position (GRCh38, 1-based): chr6:56,618,692, G>C on the plus strand (C>G on the coding strand, the complement: DST is on the minus strand). VCF-style: chr6-56618692-G-C. GRCh37 (hg19) VCF-style: chr6-56483490-G-C.
Other names: c.4831-4208C>G (NM_001144769.5); c.4930-4208C>G (NM_001374722.1, NM_001374736.1); c.4957-4208C>G (NM_001374734.1); c.4417-4208C>G (NM_001144770.2); c.4297-4208C>G (NM_001374730.1, NM_001386100.1, NM_183380.4 and 1 more transcripts); c.3319-4208C>G (NM_015548.5); short protein forms S1781C.
Identifiers: ClinVar variation 1036052 (VCV001036052.9), dbSNP rs1586806985, ClinGen allele CA364567596.

ClinVar aggregate classification (germline): Uncertain significance (1 of 4 stars; one submission).

Conditions:
Hereditary sensory and autonomic neuropathy type 6. Also called: Neuropathy, hereditary sensory and autonomic, type VI; HSAN VI. Identifiers: Orphanet 314381, MedGen C3539003, MONDO:0013839, OMIM 614653.
Epidermolysis bullosa simplex 3, localized or generalized intermediate, with BP230 deficiency (EBS3). Also called: Epidermolysis bullosa simplex, autosomal recessive 2; Epidermolysis bullosa simplex due to BP230 deficiency. Identifiers: Orphanet 412181, MedGen C3809470, MONDO:0014180, OMIM 615425.

Allele frequency attached by ClinVar (database versions not stated): TOPMed below 0.00001.
gnomAD v4.1: 1 of 1,613,738 alleles (0.000062%); no homozygotes.

Submission:

Labcorp Genetics (formerly Invitae), Labcorp
Classification: Uncertain significance for Epidermolysis bullosa simplex 3, localized or generalized intermediate, with BP230 deficiency; Hereditary sensory and autonomic neuropathy type 6. Last evaluated: 2024-12-24. Review status: criteria provided, single submitter. Criteria: Invitae Variant Classification Sherloc (09022015). Collection method: clinical testing. Allele origin: germline.
Comment: This sequence change replaces serine, which is neutral and polar, with cysteine, which is neutral and slightly polar, at codon 1781 of the DST protein (p.Ser1781Cys). This variant is not present in population databases (gnomAD no frequency). This variant has not been reported in the literature in individuals affected with DST-related conditions. ClinVar contains an entry for this variant (Variation ID: 1036052). An algorithm developed to predict the effect of missense changes on protein structure and function (PolyPhen-2) suggests that this variant is likely to be disruptive. In summary, the available evidence is currently insufficient to determine the role of this variant in disease. Therefore, it has been classified as a Variant of Uncertain Significance.